The following is an entry in ClinVar:

NM_024675.4(PALB2):c.978A>G (p.Ser326=)

Gene: PALB2 (partner and localizer of BRCA2; minus strand). Cytogenetic location: 16p12.2.
Variant type: single nucleotide variant.
Coding change: c.978A>G on transcript NM_024675.4 (MANE Select); coding-DNA position 978, A replaced by G.
Protein change: p.Ser326=; no amino-acid change (serine 326 retained).
Molecular consequence: synonymous variant. On other transcripts: intron variant (3).
Genome position (GRCh38, 1-based): chr16:23,635,568, T>C on the plus strand (A>G on the coding strand, the complement: PALB2 is on the minus strand). VCF-style: chr16-23635568-T-C. GRCh37 (hg19) VCF-style: chr16-23646889-T-C.
Other names: c.978A>G, p.Ser326= (NM_001407300.1, NM_001407301.1, NM_001407302.1 and 3 more transcripts); c.93A>G, p.Ser31= (NM_001407304.1, NM_001407305.1, NM_001407306.1 and 5 more transcripts); c.48+5542A>G (NM_001407314.1); c.-104-5099A>G (NM_001407313.1, NM_001407312.1); c.918A>G, p.Ser306= (NM_001407296.1).
Identifiers: ClinVar variation 3706862 (VCV003706862.4).

ClinVar aggregate classification (germline): Benign/Likely benign. Review status: criteria provided, multiple submitters, no conflicts (2 of 4 stars). 3 submissions from 3 submitters: Benign (1); Likely benign (2). Last evaluated 2026-01-06.

Conditions:
Hereditary cancer-predisposing syndrome. Also called: Hereditary Cancer Syndrome; Neoplastic Syndromes, Hereditary; Tumor predisposition; Hereditary neoplastic syndrome. Identifiers: Orphanet 140162, MedGen C0027672, MeSH D009386, MONDO:0015356.
Familial cancer of breast. Also called: BREAST CANCER, FAMILIAL; hereditary breast carcinoma; Hereditary breast cancer. Identifiers: Orphanet 227535, MedGen C0346153, MONDO:0016419, OMIM 114480. Disease mechanism: loss of function.

gnomAD v4.1: 4 of 1,612,972 alleles (0.00025%); highest among the groups gnomAD compares: South Asian, 0.0011%; no homozygotes.

Submissions (3):

Ambry Genetics
Classification: Likely benign for Hereditary cancer-predisposing syndrome. Last evaluated: 2026-01-06. Review status: criteria provided, single submitter. Criteria: Ambry Variant Classification Scheme 2023. Collection method: clinical testing. Allele origin: germline.

Myriad Genetics, Inc.
Classification: Benign for Familial cancer of breast. Last evaluated: 2025-01-13. Review status: criteria provided, single submitter. Criteria: Myriad Autosomal Dominant, Autosomal Recessive and X-Linked Classification Criteria (2023). Collection method: clinical testing. Allele origin: unknown.
Comment: This variant is considered benign. This variant is a silent/synonymous amino acid change and it is not expected to impact splicing.

Labcorp Genetics (formerly Invitae), Labcorp
Classification: Likely benign for Familial cancer of breast. Last evaluated: 2024-06-15. Review status: criteria provided, single submitter. Criteria: Invitae Variant Classification Sherloc (09022015). Collection method: clinical testing. Allele origin: germline.